The following is an entry in ClinVar:

ClinVar aggregate classification (germline): Pathogenic (1 of 4 stars; one submission).

Conditions:
Galactosylceramide beta-galactosidase deficiency. Also called: Krabbe Disease; Leukodystrophy, Globoid Cell; GALACTOCEREBROSIDASE DEFICIENCY; GALC DEFICIENCY; GLOBOID CELL LEUKOENCEPHALOPATHY. Identifiers: Orphanet 487, MedGen C0023521, MONDO:0009499, OMIM 245200.

Submission:

Labcorp Genetics (formerly Invitae), Labcorp
Classification: Pathogenic for Galactosylceramide beta-galactosidase deficiency. Last evaluated: 2022-09-19. Review status: criteria provided, single submitter. Criteria: Invitae Variant Classification Sherloc (09022015). Collection method: clinical testing. Allele origin: germline.
Comment: For these reasons, this variant has been classified as Pathogenic. This variant has not been reported in the literature in individuals affected with GALC-related conditions. This variant is not present in population databases (gnomAD no frequency). This sequence change creates a premature translational stop signal (p.Gly181Alafs*29) in the GALC gene. It is expected to result in an absent or disrupted protein product. Loss-of-function variants in GALC are known to be pathogenic (PMID: 7437911, 9272171, 16607461).

Literature cited by the submitters: PubMed 7437911; PubMed 9272171; PubMed 16607461.

NM_000153.4(GALC):c.542del (p.Gly181fs)

Gene: GALC (galactosylceramidase; minus strand). Cytogenetic location: 14q31.3.
Variant type: Deletion.
Coding change: c.542del on transcript NM_000153.4 (MANE Select); coding-DNA position 542, one base deleted (G; older notation c.542delG).
Protein change: p.Gly181fs; shifts the reading frame from glycine 181.
Molecular consequence: frameshift variant.
Genome position (GRCh38, 1-based): chr14:87,984,434, C deleted on the plus strand (G on the coding strand, the reverse complement: GALC is on the minus strand); the first of 3 consecutive C bases (chr14:87,984,434-87,984,436); deleting any one gives the same sequence. VCF-style (leftmost placement, unchanged base first): chr14-87984433-GC-G. GRCh37 (hg19) VCF-style: chr14-88450777-GC-G.
Other names: c.473del, p.Gly158fs (NM_001201401.2); c.464del, p.Gly155fs (NM_001201402.2); short protein forms G158fs, G181fs, G155fs.
Identifiers: ClinVar variation 2029559 (VCV002029559.4), dbSNP rs2503509690, ClinGen allele CA2580088869.